The following is an entry in ClinVar:

ClinVar aggregate classification (germline): Likely benign. Review status: criteria provided, single submitter (1 of 4 stars). 2 submissions from 2 submitters: Likely benign (1). 1 of the submissions does not count toward it. Last evaluated 2026-01-28.

Conditions:
PTS-related disorder. Also called: PTS-related condition.
6-Pyruvoyl-tetrahydrobiopterin synthase deficiency. Also called: 6-Pyruvoyltetrahydropterin Synthase Deficiency; HYPERPHENYLALANINEMIA, TETRAHYDROBIOPTERIN-DEFICIENT, DUE TO PTS DEFICIENCY; Hyperphenylalanemia, BH4-deficient, A; Hyperphenylalaninemia due to 6-pyruvoyl-tetrahydropterin synthase deficiency; BH4-deficient hyperphenylalaninemia A; PTS DEFICIENCY. Identifiers: Orphanet 13, Orphanet 238583, MedGen C0878676, MONDO:0009863, OMIM 261640.

Allele frequency attached by ClinVar (database versions not stated): gnomAD 0.00075; TOPMed 0.00083.

Submissions (2):

Labcorp Genetics (formerly Invitae), Labcorp
Classification: Likely benign for 6-Pyruvoyl-tetrahydrobiopterin synthase deficiency. Last evaluated: 2026-01-28. Review status: criteria provided, single submitter. Criteria: Invitae Variant Classification Sherloc (09022015). Collection method: clinical testing. Allele origin: germline.

PreventionGenetics, part of Exact Sciences
Classification: Likely benign for PTS-related condition. Last evaluated: 2019-10-28. Review status: no assertion criteria provided. Collection method: clinical testing. Allele origin: germline. Not counted in ClinVar's aggregate classification.
Comment: This variant is classified as likely benign based on ACMG/AMP sequence variant interpretation guidelines (Richards et al. 2015 PMID: 25741868, with internal and published modifications).

NM_000317.3(PTS):c.163+717T>G

Gene: PTS (6-pyruvoyltetrahydropterin synthase; plus strand). Cytogenetic location: 11q23.1.
Variant type: single nucleotide variant.
Coding change: c.163+717T>G on transcript NM_000317.3 (MANE Select); 717 bases into the intron after coding-DNA position 163, T replaced by G.
Molecular consequence: intron variant.
Genome position (GRCh38, 1-based): chr11:112,229,390, T>G. VCF-style: chr11-112229390-T-G. GRCh37 (hg19) VCF-style: chr11-112100113-T-G.
Identifiers: ClinVar variation 3045841 (VCV003045841.3), dbSNP rs777348207, ClinGen allele CA228598013.